The following is an entry in ClinVar:

NM_138694.4(PKHD1):c.7888del (p.Leu2630fs)

Gene: PKHD1 (PKHD1 ciliary IPT domain containing fibrocystin/polyductin; minus strand). Cytogenetic location: 6p12.2.
Variant type: Deletion.
Coding change: c.7888del on transcript NM_138694.4 (MANE Select); coding-DNA position 7888, one base deleted (C; older notation c.7888delC).
Protein change: p.Leu2630fs; shifts the reading frame from leucine 2630.
Molecular consequence: frameshift variant.
Genome position (GRCh38, 1-based): chr6:51,855,916, G deleted on the plus strand (C on the coding strand, the reverse complement: PKHD1 is on the minus strand); the first of 2 consecutive G bases (chr6:51,855,916-51,855,917); deleting either gives the same sequence. VCF-style (leftmost placement, unchanged base first): chr6-51855915-AG-A. GRCh37 (hg19) VCF-style: chr6-51720713-AG-A.
Other names: c.7888del, p.Leu2630fs (NM_170724.3); short protein forms L2630fs.
Identifiers: ClinVar variation 639653 (VCV000639653.7), dbSNP rs1583053996, ClinGen allele CA915944279.

ClinVar aggregate classification (germline): Pathogenic (1 of 4 stars; one submission).

Conditions:
Autosomal recessive polycystic kidney disease (ARPKD). Also called: AR polycystic kidney disease. Identifiers: Orphanet 731, Orphanet 8378, MedGen C0085548, MeSH D017044, MONDO:0009889.

Submission:

Labcorp Genetics (formerly Invitae), Labcorp
Classification: Pathogenic for Autosomal recessive polycystic kidney disease. Last evaluated: 2018-12-16. Review status: criteria provided, single submitter. Criteria: Invitae Variant Classification Sherloc (09022015). Collection method: clinical testing. Allele origin: germline.
Comment: Loss-of-function variants in PKHD1 are known to be pathogenic (PMID: 19940839). This variant has not been reported in the literature in individuals with PKHD1-related conditions. This variant is not present in population databases (ExAC no frequency). This sequence change creates a premature translational stop signal (p.Leu2630Phefs*37) in the PKHD1 gene. It is expected to result in an absent or disrupted protein product. For these reasons, this variant has been classified as Pathogenic.

Literature cited by the submitters: PubMed 19940839.